The following is an entry in ClinVar:

NM_004482.4(GALNT3):c.1191A>C (p.Arg397Ser)

Gene: GALNT3 (polypeptide N-acetylgalactosaminyltransferase 3; minus strand). Cytogenetic location: 2q24.3.
Variant type: single nucleotide variant.
Coding change: c.1191A>C on transcript NM_004482.4 (MANE Select); coding-DNA position 1191, A replaced by C.
Protein change: p.Arg397Ser; replaces arginine 397 with serine.
Molecular consequence: missense variant.
Genome position (GRCh38, 1-based): chr2:165,758,747, T>G on the plus strand (A>C on the coding strand, the complement: GALNT3 is on the minus strand). VCF-style: chr2-165758747-T-G. GRCh37 (hg19) VCF-style: chr2-166615257-T-G.
Other names: short protein forms R397S.
Identifiers: ClinVar variation 3383238 (VCV003383238.15).

ClinVar aggregate classification (germline): Conflicting classifications of pathogenicity. Review status: criteria provided, conflicting classifications (1 of 4 stars). 3 submissions from 3 submitters: Likely pathogenic (1); Uncertain significance (2). Last evaluated 2025-02-01.

Conditions:
Tumoral calcinosis, hyperphosphatemic, familial, 1. Also called: CALCINOSIS, TUMORAL, WITH HYPERPHOSPHATEMIA; LIPOCALCINOGRANULOMATOSIS; MORBUS TEUTSCHLAENDER; TEUTSCHLAENDER DISEASE, FAMILIAL; TUMORAL CALCINOSIS, PRIMARY HYPERPHOSPHATEMIC; HYPEROSTOSIS WITH HYPERPHOSPHATEMIA. Identifiers: Orphanet 53715, MedGen C4692564, MONDO:0100252, OMIM 211900.

gnomAD v4.1: 12 of 1,506,452 alleles (0.0008%); highest among the groups gnomAD compares: Non-Finnish European, 0.001%; no homozygotes.

Submissions (3):

CeGaT Center for Human Genetics Tuebingen
Classification: Uncertain significance. Last evaluated: 2025-02-01. Review status: criteria provided, single submitter. Criteria: CeGaT Center For Human Genetics Tuebingen Variant Classification Criteria Version 2. Collection method: clinical testing. Allele origin: germline. Affected: yes. Observed: 1 variant allele.
Comment: GALNT3: PM2, PP3, PP4

MVZ Medizinische Genetik Mainz
Classification: Likely pathogenic for Tumoral calcinosis, hyperphosphatemic, familial, 1. Last evaluated: 2024-10-16. Review status: criteria provided, single submitter. Criteria: UK Practice Guidelines For Variant Classification V4 01 2020. Collection method: clinical testing. Allele origin: germline. Inheritance: Autosomal recessive inheritance. Affected: yes. Observed: 1 variant allele.
Comment: ACMG Criteria: PP3_MOD,PM2_SUP,PM3_SUP,PP4; Compound Heterozygote

Fulgent Genetics
Classification: Uncertain significance for Tumoral calcinosis, hyperphosphatemic, familial, 1. Last evaluated: 2024-01-14. Review status: criteria provided, single submitter. Criteria: ACMG Guidelines, 2015. Collection method: clinical testing. Allele origin: germline.